The following is an entry in ClinVar:

NM_002430.3(MN1):c.2063del (p.Gly688fs)

Gene: MN1 (MN1 proto-oncogene, transcriptional regulator; minus strand). Cytogenetic location: 22q12.1.
Variant type: Deletion.
Coding change: c.2063del on transcript NM_002430.3 (MANE Select); coding-DNA position 2063, one base deleted (G; older notation c.2063delG).
Protein change: p.Gly688fs; shifts the reading frame from glycine 688.
Molecular consequence: frameshift variant.
Genome position (GRCh38, 1-based): chr22:27,798,481, C deleted on the plus strand (G on the coding strand, the reverse complement: MN1 is on the minus strand); the first of 2 consecutive C bases (chr22:27,798,481-27,798,482); deleting either gives the same sequence. VCF-style (leftmost placement, unchanged base first): chr22-27798480-TC-T. GRCh37 (hg19) VCF-style: chr22-28194468-TC-T.
Other names: short protein forms G688fs.
Identifiers: ClinVar variation 2576072 (VCV002576072.1), dbSNP rs2517771777, ClinGen allele CA2580615269.

ClinVar aggregate classification (germline): Likely pathogenic (1 of 4 stars; one submission).

Submission:

Institute for Clinical Genetics, University Hospital TU Dresden, University Hospital TU Dresden
Classification: Likely pathogenic. Last evaluated: 2023-04-11. Review status: criteria provided, single submitter. Criteria: ACMG Guidelines, 2015. Collection method: clinical testing. Allele origin: germline.
Comment: PVS1, PM2_SUP